The following is an entry in ClinVar:

NM_032578.4(MYPN):c.716_736dup (p.Ala245_Ala246insGluGlnAlaAlaSerGluAla)

Gene: MYPN (myopalladin; plus strand). Cytogenetic location: 10q21.3.
Variant type: Duplication.
Coding change: c.716_736dup on transcript NM_032578.4 (MANE Select); coding-DNA positions 716 to 736, 21 bases duplicated (AGCAGGCTGCCAGTGAGGCGG).
Protein change: p.Ala245_Ala246insGluGlnAlaAlaSerGluAla.
Molecular consequence: inframe insertion. On other transcripts: 5 prime UTR variant (1), non-coding transcript variant (1).
Genome position (GRCh38, 1-based): chr10:68,122,154-68,122,174, AGCAGGCTGCCAGTGAGGCGG duplicated; duplicating any 21 consecutive bases within chr10:68,122,150-68,122,174 gives the same sequence; the c. name uses the placement nearest the transcript's 3' end. VCF-style (leftmost placement, unchanged base first): chr10-68122149-A-AGCGGAGCAGGCTGCCAGTGAG. GRCh37 (hg19) VCF-style: chr10-69881906-A-AGCGGAGCAGGCTGCCAGTGAG.
Other names: c.716_736dup, p.Ala245_Ala246insGluGlnAlaAlaSerGluAla (NM_001256267.2); c.-407_-387dup (NM_001256268.2); c.716_736dupAGCAGGCTGCCAGTGAGGCGG (NM_032578.2).
Identifiers: ClinVar variation 1909321 (VCV001909321.5), dbSNP rs1393004443, ClinGen allele CA594256696.

ClinVar aggregate classification (germline): Uncertain significance. Review status: criteria provided, multiple submitters, no conflicts (2 of 4 stars). 3 submissions from 3 submitters: Uncertain significance (3). Last evaluated 2026-04-14.

Conditions:
Cardiovascular phenotype. Identifiers: MedGen CN230736.
Dilated cardiomyopathy 1KK (CMD1KK). Identifiers: Orphanet 154, Orphanet 75249, MedGen C3714995, MONDO:0014100, OMIM 615248.

Submissions (3):

Ambry Genetics
Classification: Uncertain significance for Cardiovascular phenotype. Last evaluated: 2026-04-14. Review status: criteria provided, single submitter. Criteria: Ambry Variant Classification Scheme 2023. Collection method: clinical testing. Allele origin: germline.
Comment: The c.716_736dup21 variant (also known as p.E239_A245dup), located in coding exon 1 of the MYPN gene, results from an in-frame duplication of 21 nucleotides at nucleotide positions 716 to 736. This results in the duplication of 7 extra residues (EQAASEA) between codons 239 and 245. This amino acid region is not well conserved in available vertebrate species. In addition, this variant is predicted to be neutral by in silico analysis (Choi Y et al. PLoS ONE. 2012; 7(10):e46688). Based on the available evidence, the clinical significance of this variant remains unclear.

Institute of Immunology and Genetics Kaiserslautern
Classification: Uncertain significance for Dilated cardiomyopathy 1KK. Last evaluated: 2024-10-15. Review status: criteria provided, single submitter. Criteria: ACMG Guidelines, 2015. Collection method: clinical testing. Allele origin: germline. Affected: yes.
Comment: ACMG Criteria: PM2_P, PM4; Variant was found in heterozygous state

Labcorp Genetics (formerly Invitae), Labcorp
Classification: Uncertain significance for Dilated cardiomyopathy 1KK. Last evaluated: 2022-03-18. Review status: criteria provided, single submitter. Criteria: Invitae Variant Classification Sherloc (09022015). Collection method: clinical testing. Allele origin: germline.
Comment: In summary, the available evidence is currently insufficient to determine the role of this variant in disease. Therefore, it has been classified as a Variant of Uncertain Significance. This variant has not been reported in the literature in individuals affected with MYPN-related conditions. This variant is present in population databases (no rsID available, gnomAD 0.002%). This variant, c.716_736dup, results in the insertion of 7 amino acid(s) of the MYPN protein (p.Glu239_Ala245dup), but otherwise preserves the integrity of the reading frame.